The following is an entry in ClinVar:

NM_001378452.1(ITPR1):c.4810A>G (p.Arg1604Gly)

Genes: BRRIAR (BHLHE40 and RIG-I regulating ITPR1 antisense RNA; minus strand), ITPR1 (inositol 1,4,5-trisphosphate receptor type 1; plus strand). Cytogenetic location: 3p26.1.
Variant type: single nucleotide variant.
Coding change: c.4810A>G on transcript NM_001378452.1 (MANE Select); coding-DNA position 4810, A replaced by G.
Protein change: p.Arg1604Gly; replaces arginine 1604 with glycine.
Molecular consequence: missense variant.
Genome position (GRCh38, 1-based): chr3:4,706,319, A>G. VCF-style: chr3-4706319-A-G. GRCh37 (hg19) VCF-style: chr3-4748003-A-G.
Other names: c.4783A>G, p.Arg1595Gly (NM_001099952.4); c.4765A>G, p.Arg1589Gly (NM_001168272.2); c.4738A>G, p.Arg1580Gly (NM_002222.7); short protein forms R1580G, R1589G, R1595G, R1604G.
Identifiers: ClinVar variation 2789406 (VCV002789406.3), dbSNP rs2469865565, ClinGen allele CA351635258.

ClinVar aggregate classification (germline): Uncertain significance (1 of 4 stars; one submission).

Submission:

Labcorp Genetics (formerly Invitae), Labcorp
Classification: Uncertain significance. Last evaluated: 2023-02-23. Review status: criteria provided, single submitter. Criteria: Invitae Variant Classification Sherloc (09022015). Collection method: clinical testing. Allele origin: germline.
Comment: Advanced modeling of protein sequence and biophysical properties (such as structural, functional, and spatial information, amino acid conservation, physicochemical variation, residue mobility, and thermodynamic stability) has been performed at Invitae for this missense variant, however the output from this modeling did not meet the statistical confidence thresholds required to predict the impact of this variant on ITPR1 protein function. In summary, the available evidence is currently insufficient to determine the role of this variant in disease. Therefore, it has been classified as a Variant of Uncertain Significance. This sequence change replaces arginine, which is basic and polar, with glycine, which is neutral and non-polar, at codon 1580 of the ITPR1 protein (p.Arg1580Gly). This variant is not present in population databases (gnomAD no frequency). This variant has not been reported in the literature in individuals affected with ITPR1-related conditions.